The following is an entry in ClinVar:

ClinVar aggregate classification (germline): Conflicting classifications of pathogenicity. Review status: criteria provided, conflicting classifications (1 of 4 stars). 4 submissions from 4 submitters: Uncertain significance (2); Likely benign (2). Last evaluated 2026-07-02.

Conditions:
DUOX2-related disorder. Also called: DUOX2-related condition.
Thyroid dyshormonogenesis 6 (TDH6). Also called: HYPOTHYROIDISM, CONGENITAL, DUE TO DYSHORMONOGENESIS, 6; THYROID HORMONOGENESIS, GENETIC DEFECT IN, 6; Genetic transient congenital hypothyroidism. Identifiers: Orphanet 226316, Orphanet 95716, MedGen C1846632, MONDO:0011792, OMIM 607200.

Allele frequency attached by ClinVar (database versions not stated): gnomAD exomes 0.00016 and 0.00051; ExAC 0.00072; ESP Exome Variant Server 0.00177; gnomAD 0.00178 and 0.00183; TOPMed 0.00191; 1000 Genomes Project 0.00319; 1000 Genomes Project 30x 0.00328.
gnomAD v4.1: 519 of 1,614,206 alleles (0.032%); highest among the groups gnomAD compares: African/African-American, 0.64%; 1 homozygote.

Submissions (4):

PreventionGenetics, part of Exact Sciences
Classification: Likely benign for DUOX2-related condition. Last evaluated: 2026-07-02. Review status: criteria provided, single submitter. Criteria: ACMG Guidelines, 2015. Collection method: clinical testing. Allele origin: germline.
Comment: This variant is classified as likely benign based on ACMG/AMP sequence variant interpretation guidelines (Richards et al. 2015 PMID: 25741868, with internal and published modifications).

Labcorp Genetics (formerly Invitae), Labcorp
Classification: Likely benign. Last evaluated: 2026-01-05. Review status: criteria provided, single submitter. Criteria: Invitae Variant Classification Sherloc (09022015). Collection method: clinical testing. Allele origin: germline.

GeneDx
Classification: Uncertain significance. Last evaluated: 2021-06-14. Review status: criteria provided, single submitter. Criteria: GeneDx Variant Classification Process June 2021. Collection method: clinical testing. Allele origin: germline. Affected: yes.
Comment: Reported as a variant of uncertain significance in the heterozygous state in a patient with congenital hypothyroidism (de Filippis et al., 2017); In silico analysis supports that this missense variant does not alter protein structure/function; This variant is associated with the following publications: (PMID: 33905568, 27535533, 28444304)

Illumina Laboratory Services, Illumina
Classification: Uncertain significance for Thyroid dyshormonogenesis 6. Last evaluated: 2018-01-12. Review status: criteria provided, single submitter. Criteria: ICSL Variant Classification Criteria 13 December 2019. Collection method: clinical testing. Allele origin: germline.

NM_001363711.2(DUOX2):c.1351G>A (p.Asp451Asn)

Gene: DUOX2 (dual oxidase 2; minus strand). Cytogenetic location: 15q21.1.
Variant type: single nucleotide variant.
Coding change: c.1351G>A on transcript NM_001363711.2 (MANE Select); coding-DNA position 1351, G replaced by A.
Protein change: p.Asp451Asn; replaces aspartic acid 451 with asparagine.
Molecular consequence: missense variant.
Genome position (GRCh38, 1-based): chr15:45,108,836, C>T on the plus strand (G>A on the coding strand, the complement: DUOX2 is on the minus strand). VCF-style: chr15-45108836-C-T. GRCh37 (hg19) VCF-style: chr15-45401034-C-T.
Other names: c.1351G>A, p.Asp451Asn (NM_014080.5); short protein forms D451N.
Identifiers: ClinVar variation 746458 (VCV000746458.17), dbSNP rs139786814, ClinGen allele CA7538649.